The following is an entry in ClinVar:

ClinVar aggregate classification (germline): Likely pathogenic. Review status: criteria provided, multiple submitters, no conflicts (2 of 4 stars). 2 submissions from 2 submitters: Likely pathogenic (2). Last evaluated 2023-08-31.

Submissions (2):

Labcorp Genetics (formerly Invitae), Labcorp
Classification: Likely pathogenic. Last evaluated: 2023-08-31. Review status: criteria provided, single submitter. Criteria: Invitae Variant Classification Sherloc (09022015). Collection method: clinical testing. Allele origin: germline.
Comment: In summary, the currently available evidence indicates that the variant is pathogenic, but additional data are needed to prove that conclusively. Therefore, this variant has been classified as Likely Pathogenic. Algorithms developed to predict the effect of sequence changes on RNA splicing suggest that this variant may disrupt the consensus splice site. ClinVar contains an entry for this variant (Variation ID: 445635). This variant has not been reported in the literature in individuals affected with EIF2AK3-related conditions. This variant is not present in population databases (gnomAD no frequency). This sequence change affects a donor splice site in intron 9 of the EIF2AK3 gene. It is expected to disrupt RNA splicing. Variants that disrupt the donor or acceptor splice site typically lead to a loss of protein function (PMID: 16199547), and loss-of-function variants in EIF2AK3 are known to be pathogenic (PMID: 11997520).

Center for Pediatric Genomic Medicine, Children's Mercy Hospital and Clinics
Classification: Likely pathogenic. Last evaluated: 2017-06-19. Review status: criteria provided, single submitter. Criteria: ACMG Guidelines, 2015. Collection method: clinical testing. Allele origin: germline.

Literature cited by the submitters: PubMed 16199547 (cited by Labcorp Genetics (formerly Invitae), Labcorp); PubMed 11997520 (cited by Labcorp Genetics (formerly Invitae), Labcorp).

NM_004836.7(EIF2AK3):c.1650+1G>A

Gene: EIF2AK3 (eukaryotic translation initiation factor 2 alpha kinase 3; minus strand). Cytogenetic location: 2p11.2.
Variant type: single nucleotide variant.
Coding change: c.1650+1G>A on transcript NM_004836.7 (MANE Select); the canonical splice donor site of the intron after coding-DNA position 1650, G replaced by A.
Molecular consequence: splice donor variant.
Genome position (GRCh38, 1-based): chr2:88,585,840, C>T on the plus strand (G>A on the coding strand, the complement: EIF2AK3 is on the minus strand). VCF-style: chr2-88585840-C-T. GRCh37 (hg19) VCF-style: chr2-88885358-C-T.
Other names: c.1197+1G>A (NM_001313915.2).
Identifiers: ClinVar variation 445635 (VCV000445635.5), dbSNP rs1205989324, ClinGen allele CA347594214.
Genomic context (GRCh38, chr2:88,585,840, plus strand): 5'-TTGAGAAGCAAATAGGAGGTGGGGAAGTGGAAACCAGACAGTAAGCAACCATGATTCTTA[C>T]CCTGTGAGGATGAGGATGGAAAAGCCTGCGCACAATAAACGTTGTTGCTATGATACAAAA-3'